The following is an entry in ClinVar:

ClinVar aggregate classification (germline): Uncertain significance (1 of 4 stars; one submission).

gnomAD v4.1: 3 of 1,612,464 alleles (0.00019%); highest among the groups gnomAD compares: South Asian, 0.0022%; no homozygotes.

Submission:

Labcorp Genetics (formerly Invitae), Labcorp
Classification: Uncertain significance. Last evaluated: 2024-05-31. Review status: criteria provided, single submitter. Criteria: Invitae Variant Classification Sherloc (09022015). Collection method: clinical testing. Allele origin: germline.
Comment: This sequence change replaces glutamic acid, which is acidic and polar, with glutamine, which is neutral and polar, at codon 1131 of the SCN3A protein (p.Glu1131Gln). This variant is not present in population databases (gnomAD no frequency). This variant has not been reported in the literature in individuals affected with SCN3A-related conditions. An algorithm developed to predict the effect of missense changes on protein structure and function (PolyPhen-2) suggests that this variant is likely to be tolerated. In summary, the available evidence is currently insufficient to determine the role of this variant in disease. Therefore, it has been classified as a Variant of Uncertain Significance.

NM_006922.4(SCN3A):c.3391G>C (p.Glu1131Gln)

Gene: SCN3A (sodium voltage-gated channel alpha subunit 3; minus strand). Cytogenetic location: 2q24.3.
Variant type: single nucleotide variant.
Coding change: c.3391G>C on transcript NM_006922.4 (MANE Select); coding-DNA position 3391, G replaced by C.
Protein change: p.Glu1131Gln; replaces glutamic acid 1131 with glutamine.
Molecular consequence: missense variant.
Genome position (GRCh38, 1-based): chr2:165,127,633, C>G on the plus strand (G>C on the coding strand, the complement: SCN3A is on the minus strand). VCF-style: chr2-165127633-C-G. GRCh37 (hg19) VCF-style: chr2-165984143-C-G.
Other names: c.3244G>C, p.Glu1082Gln (NM_001081676.2, NM_001081677.2); short protein forms E1082Q, E1131Q.
Identifiers: ClinVar variation 3684785 (VCV003684785.2).